The following is an entry in ClinVar:

ClinVar aggregate classification (germline): Uncertain significance (1 of 4 stars; one submission).

Submission:

CeGaT Center for Human Genetics Tuebingen
Classification: Uncertain significance. Last evaluated: 2026-07-01. Review status: criteria provided, single submitter. Criteria: CeGaT Center For Human Genetics Tuebingen Variant Classification Criteria Version 2. Collection method: clinical testing. Allele origin: germline. Affected: yes. Observed: 1 variant allele.
Comment: VCP: PM2, PP2

NM_007126.5(VCP):c.*46T>C

Gene: VCP (valosin containing protein; minus strand). Cytogenetic location: 9p13.3.
Variant type: single nucleotide variant.
Coding change: c.*46T>C on transcript NM_007126.5 (MANE Select); 46 bases downstream of the stop codon, T replaced by C.
Molecular consequence: 3 prime UTR variant.
Genome position (GRCh38, 1-based): chr9:35,057,071, A>G on the plus strand (T>C on the coding strand, the complement: VCP is on the minus strand). VCF-style: chr9-35057071-A-G. GRCh37 (hg19) VCF-style: chr9-35057068-A-G.
Other names: c.*46T>C (NM_001354927.2, NM_001354928.2).
Identifiers: ClinVar variation 5040048 (VCV005040048.1).